The following is an entry in ClinVar:

ClinVar aggregate classification (germline): Likely benign. Review status: criteria provided, multiple submitters, no conflicts (2 of 4 stars). 2 submissions from 2 submitters: Likely benign (2). Last evaluated 2024-02-22.

Conditions:
Malignant hyperthermia, susceptibility to, 1 (MHS1). Also called: Anesthesia related hyperthermia; Malignant hyperpyrexia; Fulminating hyperpyrexia; Pharmacogenic myopathy; RYR1-Related Malignant Hyperthermia Susceptibility; Malignant hyperthermia suceptibility 1. Identifiers: Orphanet 423, MedGen C2930980, MONDO:0007783, OMIM 145600.
RYR1-related disorder. Also called: RYR1-related condition; RYR1-related disorders. Identifiers: MedGen CN239331.

Allele frequency attached by ClinVar (database versions not stated): TOPMed below 0.00001.

Submissions (2):

All of Us Research Program, National Institutes of Health
Classification: Likely benign for Malignant hyperthermia, susceptibility to, 1. Last evaluated: 2024-02-22. Review status: criteria provided, single submitter. Criteria: ACMG Guidelines, 2015. Collection method: clinical testing. Allele origin: germline. Inheritance: Autosomal dominant inheritance. Observed: 1 variant allele, 1 heterozygote.
Comment: This study involves interpretation of variants in research participants for the purpose of population health screening. Participant phenotype was not available at the time of variant classification. Additional details can be found in publication PMID: 35346344, PMCID: PMC8962531

Labcorp Genetics (formerly Invitae), Labcorp
Classification: Likely benign for RYR1-related disorder. Last evaluated: 2020-08-29. Review status: criteria provided, single submitter. Criteria: Invitae Variant Classification Sherloc (09022015). Collection method: clinical testing. Allele origin: germline.

NM_000540.3(RYR1):c.2760C>T (p.Asn920=)

Gene: RYR1 (ryanodine receptor 1; plus strand). Cytogenetic location: 19q13.2.
Variant type: single nucleotide variant.
Coding change: c.2760C>T on transcript NM_000540.3 (MANE Select); coding-DNA position 2760, C replaced by T.
Protein change: p.Asn920=; no amino-acid change (asparagine 920 retained).
Molecular consequence: synonymous variant.
Genome position (GRCh38, 1-based): chr19:38,463,824, C>T. VCF-style: chr19-38463824-C-T. GRCh37 (hg19) VCF-style: chr19-38954464-C-T.
Other names: c.2760C>T, p.Asn920= (NM_001042723.2).
Identifiers: ClinVar variation 1144422 (VCV001144422.10), dbSNP rs1967926283, ClinGen allele CA507233864.